The following is an entry in ClinVar:

NM_022455.5(NSD1):c.4961C>G (p.Ser1654Cys)

Gene: NSD1 (nuclear receptor binding SET domain protein 1; plus strand). Cytogenetic location: 5q35.3.
Variant type: single nucleotide variant.
Coding change: c.4961C>G on transcript NM_022455.5 (MANE Select); coding-DNA position 4961, C replaced by G.
Protein change: p.Ser1654Cys; replaces serine 1654 with cysteine.
Molecular consequence: missense variant.
Genome position (GRCh38, 1-based): chr5:177,257,146, C>G. VCF-style: chr5-177257146-C-G. GRCh37 (hg19) VCF-style: chr5-176684147-C-G.
Other names: c.4088C>G, p.Ser1363Cys (NM_001365684.2, NM_001409308.1, NM_001409309.1 and 1 more transcripts); c.4961C>G, p.Ser1654Cys (NM_001409301.1, NM_001409302.1, NM_001409303.1); c.4541C>G, p.Ser1514Cys (NM_001409304.1); c.4208C>G, p.Ser1403Cys (NM_001409305.1); c.4199C>G, p.Ser1400Cys (NM_001409306.1, NM_001409307.1); short protein forms S1400C, S1514C, S1654C, S1363C, S1385C, S1403C.
Identifiers: ClinVar variation 2047896 (VCV002047896.5), dbSNP rs767300226, ClinGen allele CA3577734.

ClinVar aggregate classification (germline): Uncertain significance. Review status: criteria provided, multiple submitters, no conflicts (2 of 4 stars). 2 submissions from 2 submitters: Uncertain significance (2). Last evaluated 2024-01-15.

Conditions:
Sotos syndrome (SOTOS). Also called: CEREBRAL GIGANTISM; Sotos' syndrome; CHROMOSOME 5q35 DELETION SYNDROME; Distinctive facial appearance, overgrowth in childhood, and learning disabilities or delayed development; SOTOS SYNDROME 1. Identifiers: Orphanet 821, MedGen C0175695, MONDO:0019349, OMIM 117550.

Allele frequency attached by ClinVar (database versions not stated): gnomAD exomes below 0.00001; TOPMed below 0.00001; ExAC 0.00001; gnomAD 0.00001.
gnomAD v4.1: 5 of 1,612,650 alleles (0.00031%); highest among the groups gnomAD compares: Admixed American, 0.0067%; no homozygotes.

Submissions (2):

Fulgent Genetics
Classification: Uncertain significance for Sotos syndrome. Last evaluated: 2024-01-15. Review status: criteria provided, single submitter. Criteria: ACMG Guidelines, 2015. Collection method: clinical testing. Allele origin: germline.

Labcorp Genetics (formerly Invitae), Labcorp
Classification: Uncertain significance. Last evaluated: 2023-02-09. Review status: criteria provided, single submitter. Criteria: Invitae Variant Classification Sherloc (09022015). Collection method: clinical testing. Allele origin: germline.
Comment: In summary, the available evidence is currently insufficient to determine the role of this variant in disease. Therefore, it has been classified as a Variant of Uncertain Significance. Advanced modeling of protein sequence and biophysical properties (such as structural, functional, and spatial information, amino acid conservation, physicochemical variation, residue mobility, and thermodynamic stability) performed at Invitae indicates that this missense variant is expected to disrupt NSD1 protein function. This variant has not been reported in the literature in individuals affected with NSD1-related conditions. This variant is present in population databases (rs767300226, gnomAD 0.01%). This sequence change replaces serine, which is neutral and polar, with cysteine, which is neutral and slightly polar, at codon 1654 of the NSD1 protein (p.Ser1654Cys).